The following is an entry in ClinVar:

ClinVar aggregate classification (germline): Uncertain significance (1 of 4 stars; one submission).

Conditions:
Combined immunodeficiency due to ZAP70 deficiency (IMD48). Also called: ZAP70 Deficiency; Immunodeficiency 48. Identifiers: Orphanet 911, MedGen C2931299, MONDO:0010023, OMIM 269840.

Allele frequency attached by ClinVar (database versions not stated): gnomAD exomes 0.00001.
gnomAD v4.1: 3 of 1,537,796 alleles (0.0002%); highest among the groups gnomAD compares: South Asian, 0.0037%; no homozygotes.

Submission:

Labcorp Genetics (formerly Invitae), Labcorp
Classification: Uncertain significance for Combined immunodeficiency due to ZAP70 deficiency. Last evaluated: 2022-03-15. Review status: criteria provided, single submitter. Criteria: Invitae Variant Classification Sherloc (09022015). Collection method: clinical testing. Allele origin: germline.
Comment: In summary, the available evidence is currently insufficient to determine the role of this variant in disease. Therefore, it has been classified as a Variant of Uncertain Significance. Algorithms developed to predict the effect of missense changes on protein structure and function are either unavailable or do not agree on the potential impact of this missense change (SIFT: "Not Available"; PolyPhen-2: "Benign"; Align-GVGD: "Not Available"). This variant has not been reported in the literature in individuals affected with ZAP70-related conditions. The frequency data for this variant in the population databases is considered unreliable, as metrics indicate poor data quality at this position in the gnomAD database. This sequence change replaces valine, which is neutral and non-polar, with alanine, which is neutral and non-polar, at codon 127 of the ZAP70 protein (p.Val127Ala).

NM_001079.4(ZAP70):c.380T>C (p.Val127Ala)

Gene: ZAP70 (zeta chain of T cell receptor associated protein kinase 70; plus strand). Cytogenetic location: 2q11.2.
Variant type: single nucleotide variant.
Coding change: c.380T>C on transcript NM_001079.4 (MANE Select); coding-DNA position 380, T replaced by C.
Protein change: p.Val127Ala; replaces valine 127 with alanine.
Molecular consequence: missense variant.
Genome position (GRCh38, 1-based): chr2:97,724,416, T>C. VCF-style: chr2-97724416-T-C. GRCh37 (hg19) VCF-style: chr2-98340879-T-C.
Other names: c.380T>C, p.Val127Ala (NM_001378594.1); short protein forms V127A.
Identifiers: ClinVar variation 2202032 (VCV002202032.4), dbSNP rs1310156774, ClinGen allele CA347791416.